The following is an entry in ClinVar:

ClinVar aggregate classification (germline): Uncertain significance (1 of 4 stars; one submission).

Conditions:
Koolen-de Vries syndrome (KDVS). Identifiers: Orphanet 96169, MedGen C1864871, MONDO:0012496, OMIM 610443.

Allele frequency attached by ClinVar (database versions not stated): gnomAD exomes below 0.00001; TOPMed below 0.00001; ExAC 0.00001; ESP Exome Variant Server 0.00008.
gnomAD v4.1: 6 of 1,614,148 alleles (0.00037%); highest among the groups gnomAD compares: Non-Finnish European, 0.00051%; no homozygotes.

Submission:

Labcorp Genetics (formerly Invitae), Labcorp
Classification: Uncertain significance for Koolen-de Vries syndrome. Last evaluated: 2025-12-01. Review status: criteria provided, single submitter. Criteria: Invitae Variant Classification Sherloc (09022015). Collection method: clinical testing. Allele origin: germline.
Comment: This sequence change replaces serine, which is neutral and polar, with leucine, which is neutral and non-polar, at codon 808 of the KANSL1 protein (p.Ser808Leu). This variant is present in population databases (rs372105810, gnomAD 0.0009%). This variant has not been reported in the literature in individuals affected with KANSL1-related conditions. ClinVar contains an entry for this variant (Variation ID: 1377661). Invitae Evidence Modeling of protein sequence and biophysical properties (such as structural, functional, and spatial information, amino acid conservation, physicochemical variation, residue mobility, and thermodynamic stability) indicates that this missense variant is not expected to disrupt KANSL1 protein function with a negative predictive value of 80%. In summary, the available evidence is currently insufficient to determine the role of this variant in disease. Therefore, it has been classified as a Variant of Uncertain Significance.

NM_015443.4(KANSL1):c.2423C>T (p.Ser808Leu)

Gene: KANSL1 (KAT8 regulatory NSL complex subunit 1). Cytogenetic location: 17q21.31.
Variant type: single nucleotide variant.
Coding change: c.2423C>T on transcript NM_015443.4 (MANE Select); coding-DNA position 2423, C replaced by T.
Protein change: p.Ser808Leu; replaces serine 808 with leucine.
Molecular consequence: missense variant.
Genome position (GRCh38, 1-based): chr17:46,038,656, G>A on the plus strand (C>T on the coding strand, the complement: KANSL1 is on the minus strand). VCF-style: chr17-46038656-G-A. GRCh37 (hg19) VCF-style: chr17-44116022-G-A.
Other names: c.2423C>T, p.Ser808Leu (NM_001193465.2, NM_001193466.2, NM_001379198.1); short protein forms S808L.
Identifiers: ClinVar variation 1377661 (VCV001377661.8), dbSNP rs372105810, ClinGen allele CA8618567.
Genomic context (GRCh38, chr17:46,038,656, plus strand): 5'-GTGGAGAGCTGTCGCACCAAGGGACTGTGTGGAGGATGGTGGGTGGCTGCCAAGTAGCTC[G>A]AACTGCTCATGTCTGTGTGATGCTTCAACACTGCAGAAGTCAACAGAAAAGAGAGAAATA-3'
Protein context (NP_056258.1, residues 798-818): VLKHHTDMSS[Ser808Leu]SYLAATHHPP